The following is an entry in ClinVar:

NM_032888.4(COL27A1):c.4472T>C (p.Phe1491Ser)

Gene: COL27A1 (collagen type XXVII alpha 1 chain; plus strand). Cytogenetic location: 9q32.
Variant type: single nucleotide variant.
Coding change: c.4472T>C on transcript NM_032888.4 (MANE Select); coding-DNA position 4472, T replaced by C.
Protein change: p.Phe1491Ser; replaces phenylalanine 1491 with serine.
Molecular consequence: missense variant.
Genome position (GRCh38, 1-based): chr9:114,290,913, T>C. VCF-style: chr9-114290913-T-C. GRCh37 (hg19) VCF-style: chr9-117053193-T-C.
Other names: short protein forms F1491S.
Identifiers: ClinVar variation 1896878 (VCV001896878.4), dbSNP rs1459295208, ClinGen allele CA374588670.

ClinVar aggregate classification (germline): Uncertain significance (1 of 4 stars; one submission).

Allele frequency attached by ClinVar (database versions not stated): gnomAD exomes below 0.00001; TOPMed 0.00001.
gnomAD v4.1: 5 of 1,550,478 alleles (0.00032%); highest among the groups gnomAD compares: Admixed American, 0.0098%; no homozygotes.

Submission:

Labcorp Genetics (formerly Invitae), Labcorp
Classification: Uncertain significance. Last evaluated: 2024-10-22. Review status: criteria provided, single submitter. Criteria: Invitae Variant Classification Sherloc (09022015). Collection method: clinical testing. Allele origin: germline.
Comment: This sequence change replaces phenylalanine, which is neutral and non-polar, with serine, which is neutral and polar, at codon 1491 of the COL27A1 protein (p.Phe1491Ser). This variant is present in population databases (no rsID available, gnomAD 0.02%). This variant has not been reported in the literature in individuals affected with COL27A1-related conditions. ClinVar contains an entry for this variant (Variation ID: 1896878). Invitae Evidence Modeling of protein sequence and biophysical properties (such as structural, functional, and spatial information, amino acid conservation, physicochemical variation, residue mobility, and thermodynamic stability) indicates that this missense variant is not expected to disrupt COL27A1 protein function with a negative predictive value of 80%. In summary, the available evidence is currently insufficient to determine the role of this variant in disease. Therefore, it has been classified as a Variant of Uncertain Significance.